The following is an entry in ClinVar:

ClinVar aggregate classification (germline): Likely benign. Review status: criteria provided, multiple submitters, no conflicts (2 of 4 stars). 2 submissions from 2 submitters: Likely benign (2). Last evaluated 2024-08-01.

Conditions:
Prostate cancer. Also called: Malignant tumor of prostate. Identifiers: Orphanet 1331, MedGen C0376358, MONDO:0008315, HP:0012125.

Allele frequency attached by ClinVar (database versions not stated): ExAC 0.00001; gnomAD 0.00002; ESP Exome Variant Server 0.00008; gnomAD exomes 0.00001 and 0.00003; TOPMed 0.00003.
gnomAD v4.1: 47 of 1,611,194 alleles (0.0029%); highest among the groups gnomAD compares: Non-Finnish European, 0.0039%; no homozygotes.

Submissions (2):

Department of Pathology and Laboratory Medicine, Sinai Health System
Classification: Likely benign for prostate cancer. Last evaluated: 2024-08-01. Review status: criteria provided, single submitter. Criteria: ACMG Guidelines, 2015. Collection method: clinical testing. Allele origin: germline.

GeneDx
Classification: Likely benign. Last evaluated: 2021-04-01. Review status: criteria provided, single submitter. Criteria: GeneDx Variant Classification Process June 2021. Collection method: clinical testing. Allele origin: germline. Affected: yes.
Comment: Describes a nucleotide substitution 6 base pairs upstream of the ATG translational start site of the HOXB13 gene, occurring in the Kozak sequence, the conserved nucleotides just upstream of the ATG start codon, which play a major role in the initiation of translation; Not observed at a significant frequency in large population cohorts (Lek 2016); Has not been previously published as pathogenic or benign to our knowledge; Nucleotide substitution has no predicted effect on splicing and is not conserved across species

NM_006361.6(HOXB13):c.-6G>A

Gene: HOXB13 (homeobox B13; minus strand). Cytogenetic location: 17q21.32.
Variant type: single nucleotide variant.
Coding change: c.-6G>A on transcript NM_006361.6 (MANE Select); 6 bases upstream of the start codon, G replaced by A.
Molecular consequence: 5 prime UTR variant.
Genome position (GRCh38, 1-based): chr17:48,728,599, C>T on the plus strand (G>A on the coding strand, the complement: HOXB13 is on the minus strand). VCF-style: chr17-48728599-C-T. GRCh37 (hg19) VCF-style: chr17-46805961-C-T.
Other names: c.-6G>A (NM_006361.5).
Identifiers: ClinVar variation 1219042 (VCV001219042.4), dbSNP rs375857762, ClinGen allele CA8634081.